The following is an entry in ClinVar:

ClinVar aggregate classification (germline): Uncertain significance. Review status: criteria provided, multiple submitters, no conflicts (2 of 4 stars). 2 submissions from 2 submitters: Uncertain significance (2). Last evaluated 2025-10-15.

Conditions:
Inborn genetic diseases. Identifiers: MedGen C0950123, MeSH D030342.

gnomAD v4.1: 26 of 1,613,980 alleles (0.0016%); highest among the groups gnomAD compares: South Asian, 0.027%; no homozygotes.

Submissions (2):

Ambry Genetics
Classification: Uncertain significance for Inborn genetic diseases. Last evaluated: 2025-10-15. Review status: criteria provided, single submitter. Criteria: Ambry Variant Classification Scheme 2023. Collection method: clinical testing. Allele origin: germline.

Labcorp Genetics (formerly Invitae), Labcorp
Classification: Uncertain significance. Last evaluated: 2024-05-21. Review status: criteria provided, single submitter. Criteria: Invitae Variant Classification Sherloc (09022015). Collection method: clinical testing. Allele origin: germline.
Comment: This sequence change replaces proline, which is neutral and non-polar, with leucine, which is neutral and non-polar, at codon 32 of the HPS4 protein (p.Pro32Leu). This variant is present in population databases (rs753004509, gnomAD 0.04%). This variant has not been reported in the literature in individuals affected with HPS4-related conditions. An algorithm developed to predict the effect of missense changes on protein structure and function (PolyPhen-2) suggests that this variant is likely to be disruptive. In summary, the available evidence is currently insufficient to determine the role of this variant in disease. Therefore, it has been classified as a Variant of Uncertain Significance.

NM_022081.6(HPS4):c.95C>T (p.Pro32Leu)

Gene: HPS4 (HPS4 biogenesis of lysosomal organelles complex 3 subunit 2; minus strand). Cytogenetic location: 22q12.1.
Variant type: single nucleotide variant.
Coding change: c.95C>T on transcript NM_022081.6 (MANE Select); coding-DNA position 95, C replaced by T.
Protein change: p.Pro32Leu; replaces proline 32 with leucine.
Molecular consequence: missense variant. On other transcripts: non-coding transcript variant (8).
Genome position (GRCh38, 1-based): chr22:26,479,302, G>A on the plus strand (C>T on the coding strand, the complement: HPS4 is on the minus strand). VCF-style: chr22-26479302-G-A. GRCh37 (hg19) VCF-style: chr22-26875268-G-A.
Other names: c.95C>T, p.Pro32Leu (NM_001349896.1, NM_001349898.2, NM_001349899.2 and 7 more transcripts); c.80C>T, p.Pro27Leu (NM_152841.2); c.95C>T (NM_022081.4); short protein forms P27L, P32L.
Identifiers: ClinVar variation 3686546 (VCV003686546.3).